The following is an entry in ClinVar:

ClinVar aggregate classification (germline): Conflicting classifications of pathogenicity. Review status: criteria provided, conflicting classifications (1 of 4 stars). 10 submissions from 6 submitters: Uncertain significance (5); Likely benign (5). Last evaluated 2026-08-03.

Conditions:
Cardiovascular phenotype. Identifiers: MedGen CN230736.
Autosomal recessive limb-girdle muscular dystrophy type 2J (LGMDR10). Also called: Limb-girdle muscular dystrophy, type 2J; MUSCULAR DYSTROPHY, LIMB-GIRDLE, AUTOSOMAL RECESSIVE 10. Identifiers: Orphanet 140922, MedGen C1837342, MONDO:0012127, OMIM 608807.
TTN-related disorder. Also called: TTN-related disorders; TTN-related condition; TTN-related disease.
Myopathy, myofibrillar, 9, with early respiratory failure (MFM9). Also called: MYOPATHY, PROXIMAL, WITH EARLY RESPIRATORY MUSCLE INVOLVEMENT; Hereditary myopathy with early respiratory failure; Myopathy, distal, with early respiratory failure, autosomal dominant; EDSTROM MYOPATHY. Identifiers: Orphanet 178464, Orphanet 34521, MedGen C1863599, MONDO:0011362, OMIM 603689.
Dilated cardiomyopathy 1G (CMD1G). Identifiers: Orphanet 154, MedGen C1858763, MONDO:0011400, OMIM 604145.
Early-onset myopathy with fatal cardiomyopathy (CMYO5). Also called: Salih Myopathy; CONGENITAL MYOPATHY 5 WITH CARDIOMYOPATHY. Identifiers: Orphanet 289377, MedGen C2673677, MONDO:0012714, OMIM 611705. Disease mechanism: loss of function.
Tibial muscular dystrophy (TMD). Also called: UDD MYOPATHY; Tibial muscular dystrophy, tardive; Udd Distal Myopathy – Tibial Muscular Dystrophy. Identifiers: Orphanet 609, MedGen C1838244, MONDO:0010870, OMIM 600334.

Allele frequency attached by ClinVar (database versions not stated): gnomAD exomes below 0.00001; ExAC 0.00001; gnomAD 0.00005; TOPMed 0.00005.
gnomAD v4.1: 11 of 1,612,198 alleles (0.00068%); highest among the groups gnomAD compares: African/African-American, 0.015%; no homozygotes.

Submissions (10):

PreventionGenetics, part of Exact Sciences
Classification: Likely benign for TTN-related condition. Last evaluated: 2026-08-03. Review status: criteria provided, single submitter. Criteria: ACMG Guidelines, 2015. Collection method: clinical testing. Allele origin: germline.
Comment: This variant is classified as likely benign based on ACMG/AMP sequence variant interpretation guidelines (Richards et al. 2015 PMID: 25741868, with internal and published modifications).

Molecular Diagnostic Laboratory for Inherited Cardiovascular Disease, Montreal Heart Institute
Classification: Likely benign. Last evaluated: 2026-03-27. Review status: criteria provided, single submitter. Criteria: ACMG Guidelines, 2015. Collection method: clinical testing. Allele origin: germline. Affected: no.
Comment: BP7

Labcorp Genetics (formerly Invitae), Labcorp
Classification: Likely benign for Dilated cardiomyopathy 1G; Autosomal recessive limb-girdle muscular dystrophy type 2J. Last evaluated: 2025-08-21. Review status: criteria provided, single submitter. Criteria: Invitae Variant Classification Sherloc (09022015). Collection method: clinical testing. Allele origin: germline.

GeneDx
Classification: Likely benign. Last evaluated: 2020-09-11. Review status: criteria provided, single submitter. Criteria: GeneDx Variant Classification Process June 2021. Collection method: clinical testing. Allele origin: germline. Affected: yes.

Ambry Genetics
Classification: Likely benign for Cardiovascular phenotype. Last evaluated: 2019-08-30. Review status: criteria provided, single submitter. Criteria: Ambry Variant Classification Scheme 2023. Collection method: clinical testing. Allele origin: germline.

Illumina Laboratory Services, Illumina
Classification: Uncertain significance for Myopathy, myofibrillar, 9, with early respiratory failure. Last evaluated: 2018-01-13. Review status: criteria provided, single submitter. Criteria: ICSL Variant Classification Criteria 13 December 2019. Collection method: clinical testing. Allele origin: germline.

Illumina Laboratory Services, Illumina
Classification: Uncertain significance for Dilated cardiomyopathy 1G. Last evaluated: 2018-01-13. Review status: criteria provided, single submitter. Criteria: ICSL Variant Classification Criteria 13 December 2019. Collection method: clinical testing. Allele origin: germline.

Illumina Laboratory Services, Illumina
Classification: Uncertain significance for Early-onset myopathy with fatal cardiomyopathy. Last evaluated: 2018-01-13. Review status: criteria provided, single submitter. Criteria: ICSL Variant Classification Criteria 13 December 2019. Collection method: clinical testing. Allele origin: germline.

Illumina Laboratory Services, Illumina
Classification: Uncertain significance for Tibial muscular dystrophy. Last evaluated: 2018-01-13. Review status: criteria provided, single submitter. Criteria: ICSL Variant Classification Criteria 13 December 2019. Collection method: clinical testing. Allele origin: germline.

Illumina Laboratory Services, Illumina
Classification: Uncertain significance for Autosomal recessive limb-girdle muscular dystrophy type 2J. Last evaluated: 2018-01-13. Review status: criteria provided, single submitter. Criteria: ICSL Variant Classification Criteria 13 December 2019. Collection method: clinical testing. Allele origin: germline.

NM_001267550.2(TTN):c.46884G>A (p.Lys15628=)

Genes: TTN (titin; minus strand), TTN-AS1 (TTN antisense RNA 1; plus strand). Cytogenetic location: 2q31.2.
Variant type: single nucleotide variant.
Coding change: c.46884G>A on transcript NM_001267550.2 (MANE Select); coding-DNA position 46884, G replaced by A.
Protein change: p.Lys15628=; no amino-acid change (lysine 15628 retained).
Molecular consequence: synonymous variant.
Genome position (GRCh38, 1-based): chr2:178,618,666, C>T on the plus strand (G>A on the coding strand, the complement: TTN is on the minus strand). VCF-style: chr2-178618666-C-T. GRCh37 (hg19) VCF-style: chr2-179483393-C-T.
Other names: c.41961G>A, p.Lys13987= (NM_001256850.1); c.19689G>A, p.Lys6563= (NM_003319.4); c.39180G>A, p.Lys13060= (NM_133378.4); c.20064G>A, p.Lys6688= (NM_133432.3); c.20265G>A, p.Lys6755= (NM_133437.4).
Identifiers: ClinVar variation 332856 (VCV000332856.19), dbSNP rs760251812, ClinGen allele CA1995156.